The following is an entry in ClinVar:

ClinVar aggregate classification (germline): Likely pathogenic (1 of 4 stars; one submission).

Conditions:
Familial cancer of breast. Also called: BREAST CANCER, FAMILIAL; Hereditary breast cancer; hereditary breast carcinoma. Identifiers: Orphanet 227535, MedGen C0346153, MONDO:0016419, OMIM 114480. Disease mechanism: loss of function.

Submission:

Labcorp Genetics (formerly Invitae), Labcorp
Classification: Likely pathogenic for Familial cancer of breast. Last evaluated: 2019-10-29. Review status: criteria provided, single submitter. Criteria: Invitae Variant Classification Sherloc (09022015). Collection method: clinical testing. Allele origin: germline.
Comment: This variant has not been reported in the literature in individuals with PALB2-related conditions. This sequence change affects an acceptor splice site in intron 7 of the PALB2 gene. It is expected to disrupt RNA splicing and likely results in an absent or disrupted protein product. This variant is not present in population databases (ExAC no frequency). Algorithms developed to predict the effect of sequence changes on RNA splicing suggest that this variant may disrupt the consensus splice site, but this prediction has not been confirmed by published transcriptional studies. Donor and acceptor splice site variants typically lead to a loss of protein function (PMID: 16199547), and loss-of-function variants in PALB2 are known to be pathogenic (PMID: 17200668, 24136930, 25099575). In summary, the currently available evidence indicates that the variant is pathogenic, but additional data are needed to prove that conclusively. Therefore, this variant has been classified as Likely Pathogenic.

Literature cited by the submitters: PubMed 16199547; PubMed 17200668; PubMed 24136930; PubMed 25099575.

NM_024675.4(PALB2):c.2749-1G>A

Gene: PALB2 (partner and localizer of BRCA2; minus strand). Cytogenetic location: 16p12.2.
Variant type: single nucleotide variant.
Coding change: c.2749-1G>A on transcript NM_024675.4 (MANE Select); the canonical splice acceptor site of the intron before coding-DNA position 2749, G replaced by A.
Molecular consequence: splice acceptor variant.
Genome position (GRCh38, 1-based): chr16:23,624,095, C>T on the plus strand (G>A on the coding strand, the complement: PALB2 is on the minus strand). VCF-style: chr16-23624095-C-T. GRCh37 (hg19) VCF-style: chr16-23635416-C-T.
Other names: c.1864-1G>A (NM_001407308.1, NM_001407306.1, NM_001407309.1 and 4 more transcripts); c.283-1G>A (NM_001407314.1); c.961-1G>A (NM_001407313.1, NM_001407312.1); c.2689-1G>A (NM_001407296.1); c.2677-1G>A (NM_001407297.1); c.2587-1G>A (NM_001407302.1, NM_001407298.1); c.2749-1G>A (NM_001407300.1, NM_001407299.1, NM_001407301.1); c.1702-1G>A (NM_001407307.1).
Identifiers: ClinVar variation 964073 (VCV000964073.9), dbSNP rs1060502804, ClinGen allele CA395145276.